The following is an entry in ClinVar:

ClinVar aggregate classification (germline): Uncertain significance (1 of 4 stars; one submission).

Conditions:
Hypokalemic periodic paralysis, type 1. Also called: HypoPP; Hypokalemic Periodic Paralysis Type 1 (AD). Identifiers: Orphanet 681, MedGen C3714580, MONDO:0042979, OMIM 170400.
Malignant hyperthermia, susceptibility to, 5 (MHS5). Also called: CACNA1S-Related Malignant Hyperthermia Susceptibility. Identifiers: Orphanet 423, MedGen C1866077, MONDO:0011163, OMIM 601887.

Allele frequency attached by ClinVar (database versions not stated): gnomAD exomes below 0.00001.
gnomAD v4.1: 1 of 1,614,200 alleles (0.000062%); highest among the groups gnomAD compares: Non-Finnish European, 0.000085%; no homozygotes.

Submission:

Labcorp Genetics (formerly Invitae), Labcorp
Classification: Uncertain significance for Hypokalemic periodic paralysis, type 1; Malignant hyperthermia, susceptibility to, 5. Last evaluated: 2022-06-13. Review status: criteria provided, single submitter. Criteria: Invitae Variant Classification Sherloc (09022015). Collection method: clinical testing. Allele origin: germline.
Comment: In summary, the available evidence is currently insufficient to determine the role of this variant in disease. Therefore, it has been classified as a Variant of Uncertain Significance. Algorithms developed to predict the effect of missense changes on protein structure and function (SIFT, PolyPhen-2, Align-GVGD) all suggest that this variant is likely to be disruptive. This variant has not been reported in the literature in individuals affected with CACNA1S-related conditions. This variant is not present in population databases (gnomAD no frequency). This sequence change replaces cysteine, which is neutral and slightly polar, with arginine, which is basic and polar, at codon 1088 of the CACNA1S protein (p.Cys1088Arg).

NM_000069.3(CACNA1S):c.3262T>C (p.Cys1088Arg)

Gene: CACNA1S (calcium voltage-gated channel subunit alpha1 S; minus strand). Cytogenetic location: 1q32.1.
Variant type: single nucleotide variant.
Coding change: c.3262T>C on transcript NM_000069.3 (MANE Select); coding-DNA position 3262, T replaced by C.
Protein change: p.Cys1088Arg; replaces cysteine 1088 with arginine.
Molecular consequence: missense variant.
Genome position (GRCh38, 1-based): chr1:201,060,810, A>G on the plus strand (T>C on the coding strand, the complement: CACNA1S is on the minus strand). VCF-style: chr1-201060810-A-G. GRCh37 (hg19) VCF-style: chr1-201029938-A-G.
Other names: short protein forms C1088R.
Identifiers: ClinVar variation 1504586 (VCV001504586.6), dbSNP rs1661020544, ClinGen allele CA344161196.
Genomic context (GRCh38, chr1:201,060,810, plus strand): 5'-GGTATGGGTTTTTGGGAATGTAGCACCTCAGTGGGCGGGCCTTCAGGGCATACTGTACAC[A>G]TTGGCGCTGTGACACATACAACAGGACAGGTCAGCACCAAGAGGCCCCTCCCTCCCTCTC-3'
Protein context (NP_000060.2, residues 1078-1098): NCELDKNQRQ[Cys1088Arg]VQYALKARPL